The following is an entry in ClinVar:

NM_000179.3(MSH6):c.758A>C (p.Asp253Ala)

Gene: MSH6 (mutS homolog 6; plus strand). Cytogenetic location: 2p16.3.
Variant type: single nucleotide variant.
Coding change: c.758A>C on transcript NM_000179.3 (MANE Select); coding-DNA position 758, A replaced by C.
Protein change: p.Asp253Ala; replaces aspartic acid 253 with alanine.
Molecular consequence: missense variant. On other transcripts: 5 prime UTR variant (2).
Genome position (GRCh38, 1-based): chr2:47,798,741, A>C. VCF-style: chr2-47798741-A-C. GRCh37 (hg19) VCF-style: chr2-48025880-A-C.
Other names: c.368A>C, p.Asp123Ala (NM_001281492.2); c.-149A>C (NM_001281493.2, NM_001281494.2); short protein forms D123A, D253A.
Identifiers: ClinVar variation 1345190 (VCV001345190.8), dbSNP rs2104295851, ClinGen allele CA346740150.

ClinVar aggregate classification (germline): Uncertain significance (1 of 4 stars; one submission).

Conditions:
Hereditary nonpolyposis colorectal neoplasms. Identifiers: MedGen C0009405, MeSH D003123.

Submission:

Labcorp Genetics (formerly Invitae), Labcorp
Classification: Uncertain significance for Hereditary nonpolyposis colorectal neoplasms. Last evaluated: 2021-04-14. Review status: criteria provided, single submitter. Criteria: Invitae Variant Classification Sherloc (09022015). Collection method: clinical testing. Allele origin: germline.
Comment: In summary, the available evidence is currently insufficient to determine the role of this variant in disease. Therefore, it has been classified as a Variant of Uncertain Significance. Advanced modeling of protein sequence and biophysical properties (such as structural, functional, and spatial information, amino acid conservation, physicochemical variation, residue mobility, and thermodynamic stability) performed at Invitae indicates that this missense variant is not expected to disrupt MSH6 protein function. This variant has not been reported in the literature in individuals with MSH6-related conditions. This variant is not present in population databases (ExAC no frequency). This sequence change replaces aspartic acid with alanine at codon 253 of the MSH6 protein (p.Asp253Ala). The aspartic acid residue is weakly conserved and there is a moderate physicochemical difference between aspartic acid and alanine.